The following is an entry in ClinVar:

ClinVar aggregate classification (germline): Likely benign. Review status: criteria provided, single submitter (1 of 4 stars). 2 submissions from 1 submitter: Likely benign (2). Last evaluated 2017-04-27.

Conditions:
Hypophosphatemic rickets, autosomal recessive, 2 (ARHR2). Identifiers: Orphanet 289176, MedGen C2750078, MONDO:0013219, OMIM 613312.
Arterial calcification, generalized, of infancy, 1 (GACI1). Also called: Idiopathic Infantile Arterial Calcification. Identifiers: Orphanet 51608, MedGen C4551985, MONDO:0008817, OMIM 208000.

Allele frequency attached by ClinVar (database versions not stated): gnomAD 0.00490 and 0.00525; TOPMed 0.00553; 1000 Genomes Project 30x 0.00828; 1000 Genomes Project 0.00899.

Submissions (2):

Illumina Laboratory Services, Illumina
Classification: Likely benign for Hypophosphatemic rickets, autosomal recessive, 2. Last evaluated: 2017-04-27. Review status: criteria provided, single submitter. Criteria: ICSL Variant Classification Criteria 13 December 2019. Collection method: clinical testing. Allele origin: germline.
Comment: This variant was observed as part of a predisposition screen in an ostensibly healthy population. A literature search was performed for the gene, cDNA change, and amino acid change (where applicable). No publications were found based on this search. Allele frequency data from public databases allowed determination this variant is unlikely to cause disease. Therefore, this variant is classified as likely benign.

Illumina Laboratory Services, Illumina
Classification: Likely benign for Arterial calcification, generalized, of infancy, 1. Last evaluated: 2017-04-27. Review status: criteria provided, single submitter. Criteria: ICSL Variant Classification Criteria 13 December 2019. Collection method: clinical testing. Allele origin: germline.
Comment: the same text as in the submission from Illumina Laboratory Services, Illumina above.

NM_006208.3(ENPP1):c.*3176T>A

Gene: ENPP1 (ectonucleotide pyrophosphatase/phosphodiesterase 1; plus strand). Cytogenetic location: 6q23.2.
Variant type: single nucleotide variant.
Coding change: c.*3176T>A on transcript NM_006208.3 (MANE Select); 3176 bases downstream of the stop codon, T replaced by A.
Molecular consequence: 3 prime UTR variant.
Genome position (GRCh38, 1-based): chr6:131,893,687, T>A. VCF-style: chr6-131893687-T-A. GRCh37 (hg19) VCF-style: chr6-132214827-T-A.
Identifiers: ClinVar variation 355413 (VCV000355413.5), dbSNP rs114333444, ClinGen allele CA10621437.